The following is an entry in ClinVar:

ClinVar aggregate classification (germline): Likely pathogenic (1 of 4 stars; one submission).

Conditions:
Dilated cardiomyopathy 1G (CMD1G). Identifiers: Orphanet 154, MedGen C1858763, MONDO:0011400, OMIM 604145.
Autosomal recessive limb-girdle muscular dystrophy type 2J (LGMDR10). Also called: MUSCULAR DYSTROPHY, LIMB-GIRDLE, AUTOSOMAL RECESSIVE 10; Limb-girdle muscular dystrophy, type 2J. Identifiers: Orphanet 140922, MedGen C1837342, MONDO:0012127, OMIM 608807.

Submission:

Labcorp Genetics (formerly Invitae), Labcorp
Classification: Likely pathogenic for Dilated cardiomyopathy 1G; Autosomal recessive limb-girdle muscular dystrophy type 2J. Last evaluated: 2025-09-28. Review status: criteria provided, single submitter. Criteria: Invitae Variant Classification Sherloc (09022015). Collection method: clinical testing. Allele origin: germline.
Comment: This sequence change creates a premature translational stop signal (p.Gln35689Metfs*3) in the TTN gene. While this is not anticipated to result in nonsense mediated decay, it is expected to create a truncated TTN protein. This variant is not present in population databases (gnomAD no frequency). This variant has not been reported in the literature in individuals affected with TTN-related conditions. ClinVar contains an entry for this variant (Variation ID: 1475503). This variant is located in the M band of TTN (PMID: 25589632). Truncating variants in this region have been previously reported in individuals affected with autosomal dominant or autosomal recessive myopathy and muscular dystrophy (PMID: 18948003, 23975875, 24395473). Truncating variants in this region have also been identified in individuals affected with autosomal dominant dilated cardiomyopathy and/or cardio-related conditions (PMID: 27869827, 32964742, internal data). In summary, the currently available evidence indicates that the variant is pathogenic, but additional data are needed to prove that conclusively. Therefore, this variant has been classified as Likely Pathogenic.

Literature cited by the submitters: PubMed 25589632; PubMed 18948003; PubMed 23975875; PubMed 24395473; PubMed 27869827; PubMed 32964742.

NM_001267550.2(TTN):c.107065_107068del (p.Gln35689fs)

Genes: TTN (titin; minus strand), TTN-AS1 (TTN antisense RNA 1; plus strand). Cytogenetic location: 2q31.2.
Variant type: Deletion.
Coding change: c.107065_107068del on transcript NM_001267550.2 (MANE Select); coding-DNA positions 107065 to 107068, 4 bases deleted (CAGT; older notation c.107065_107068delCAGT).
Protein change: p.Gln35689fs; shifts the reading frame from glutamine 35689.
Molecular consequence: frameshift variant.
Genome position (GRCh38, 1-based): chr2:178,528,683-178,528,686, ACTG deleted on the plus strand (CAGT on the coding strand, the reverse complement: TTN is on the minus strand); deleting any 4 consecutive bases within chr2:178,528,683-178,528,688 gives the same sequence; the c. name uses the placement nearest the transcript's 3' end. VCF-style (leftmost placement, unchanged base first): chr2-178528682-TACTG-T. GRCh37 (hg19) VCF-style: chr2-179393409-TACTG-T.
Other names: c.102142_102145del, p.Gln34048fs (NM_001256850.1); c.79870_79873del, p.Gln26624fs (NM_003319.4); c.99361_99364del, p.Gln33121fs (NM_133378.4); c.80245_80248del, p.Gln26749fs (NM_133432.3); c.80446_80449del, p.Gln26816fs (NM_133437.4); short protein forms Q26816fs, Q33121fs, Q26624fs, Q26749fs, Q34048fs, Q35689fs.
Identifiers: ClinVar variation 1475503 (VCV001475503.8), dbSNP rs2154131227, ClinGen allele CA2573134059.